The following is an entry in ClinVar:

ClinVar aggregate classification (germline): Uncertain significance. Review status: criteria provided, multiple submitters, no conflicts (2 of 4 stars). 2 submissions from 2 submitters: Uncertain significance (2). Last evaluated 2025-12-16.

Conditions:
PKD1L1-related disorder. Also called: PKD1L1-related condition.
Inborn genetic diseases. Identifiers: MedGen C0950123, MeSH D030342.

Allele frequency attached by ClinVar (database versions not stated): ExAC 0.00003; TOPMed 0.00006; gnomAD 0.00007; gnomAD exomes 0.00010.
gnomAD v4.1: 154 of 1,610,764 alleles (0.0096%); highest among the groups gnomAD compares: Middle Eastern, 0.017%; no homozygotes.

Submissions (2):

Ambry Genetics
Classification: Uncertain significance for Inborn genetic diseases. Last evaluated: 2025-12-16. Review status: criteria provided, single submitter. Criteria: Ambry Variant Classification Scheme 2023. Collection method: clinical testing. Allele origin: germline.

PreventionGenetics, part of Exact Sciences
Classification: Uncertain significance for PKD1L1-related condition. Last evaluated: 2025-07-14. Review status: criteria provided, single submitter. Criteria: ACMG Guidelines, 2015. Collection method: clinical testing. Allele origin: germline.
Comment: The PKD1L1 c.1696C>T variant is predicted to result in the amino acid substitution p.Arg566Cys. To our knowledge, this variant has not been reported in the literature. This variant is reported in 0.0094% of alleles in individuals of European (Non-Finnish) descent in gnomAD. At this time, the clinical significance of this variant is uncertain due to the absence of conclusive functional and genetic evidence.

NM_138295.5(PKD1L1):c.1696C>T (p.Arg566Cys)

Gene: PKD1L1 (polycystin 1 like 1, transient receptor potential channel interacting; minus strand). Cytogenetic location: 7p12.3.
Variant type: single nucleotide variant.
Coding change: c.1696C>T on transcript NM_138295.5 (MANE Select); coding-DNA position 1696, C replaced by T.
Protein change: p.Arg566Cys; replaces arginine 566 with cysteine.
Molecular consequence: missense variant.
Genome position (GRCh38, 1-based): chr7:47,904,613, G>A on the plus strand (C>T on the coding strand, the complement: PKD1L1 is on the minus strand). VCF-style: chr7-47904613-G-A. GRCh37 (hg19) VCF-style: chr7-47944210-G-A.
Other names: short protein forms R566C.
Identifiers: ClinVar variation 2468952 (VCV002468952.4), dbSNP rs775609940, ClinGen allele CA4253971.